The following is an entry in ClinVar:

NM_003361.4(UMOD):c.1288G>A (p.Asp430Asn)

Gene: UMOD (uromodulin; minus strand). Cytogenetic location: 16p12.3.
Variant type: single nucleotide variant.
Coding change: c.1288G>A on transcript NM_003361.4 (MANE Select); coding-DNA position 1288, G replaced by A.
Protein change: p.Asp430Asn; replaces aspartic acid 430 with asparagine.
Molecular consequence: missense variant. On other transcripts: non-coding transcript variant (1).
Genome position (GRCh38, 1-based): chr16:20,344,067, C>T on the plus strand (G>A on the coding strand, the complement: UMOD is on the minus strand). VCF-style: chr16-20344067-C-T. GRCh37 (hg19) VCF-style: chr16-20355389-C-T.
Other names: c.1288G>A, p.Asp430Asn (NM_001008389.3, NM_001378232.1, NM_001378233.1 and 3 more transcripts); c.1387G>A, p.Asp463Asn (NM_001278614.2); short protein forms D463N, D430N.
Identifiers: ClinVar variation 884576 (VCV000884576.8), dbSNP rs200394184, ClinGen allele CA7939211.

ClinVar aggregate classification (germline): Conflicting classifications of pathogenicity. Review status: criteria provided, conflicting classifications (1 of 4 stars). 2 submissions from 2 submitters: Uncertain significance (1); Benign (1). Last evaluated 2024-05-28.

Conditions:
Familial juvenile hyperuricemic nephropathy type 1 (ADTKD1). Also called: Glomerulocystic kidney disease with hyperuricemia and isosthenuria; Medullary cystic kidney disease 2; Autosomal Dominant Tubulointerstitial Kidney Disease – UMOD; UMOD-Associated Kidney Disease; Uromodulin-associated kidney disease. Identifiers: Orphanet 209886, Orphanet 34149, Orphanet 88950, MedGen C4551496, MONDO:0008073, OMIM 162000.

Allele frequency attached by ClinVar (database versions not stated): gnomAD exomes 0.00001 and 0.00004; ExAC 0.00004; TOPMed 0.00006; gnomAD 0.00008; 1000 Genomes Project 30x 0.00016; 1000 Genomes Project 0.00020.
gnomAD v4.1: 26 of 1,613,956 alleles (0.0016%); highest among the groups gnomAD compares: African/African-American, 0.031%; no homozygotes.

Submissions (2):

Fulgent Genetics
Classification: Uncertain significance for Familial juvenile hyperuricemic nephropathy type 1. Last evaluated: 2024-05-28. Review status: criteria provided, single submitter. Criteria: ACMG Guidelines, 2015. Collection method: clinical testing. Allele origin: germline.

Illumina Laboratory Services, Illumina
Classification: Benign for UMOD-Associated Kidney Disease. Last evaluated: 2018-01-13. Review status: criteria provided, single submitter. Criteria: ICSL Variant Classification Criteria 13 December 2019. Collection method: clinical testing. Allele origin: germline.
Comment: This variant was observed in the ICSL laboratory as part of a predisposition screen in an ostensibly healthy population. It had not been previously curated by ICSL or reported in the Human Gene Mutation Database (HGMD: prior to June 1st, 2018), and was therefore a candidate for classification through an automated scoring system. Utilizing variant allele frequency, disease prevalence and penetrance estimates, and inheritance mode, an automated score was calculated to assess if this variant is too frequent to cause the disease. Based on the score and internal cut-off values, a variant classified as benign is not then subjected to further curation. The score for this variant resulted in a classification of benign for this disease.